The following is an entry in ClinVar:

ClinVar aggregate classification (germline): Uncertain significance. Review status: criteria provided, multiple submitters, no conflicts (2 of 4 stars). 2 submissions from 2 submitters: Uncertain significance (2). Last evaluated 2026-08-18.

Conditions:
Cardiovascular phenotype. Identifiers: MedGen CN230736.
Hereditary hemorrhagic telangiectasia (HHT). Also called: Osler hemorrhagic telangiectasia syndrome; ORW DISEASE; Osler Weber Rendu syndrome; OSLER-RENDU-WEBER DISEASE. Identifiers: Orphanet 774, MedGen C0039445, MONDO:0019180. Disease mechanism: loss of function.

Allele frequency attached by ClinVar (database versions not stated): gnomAD exomes below 0.00001; ExAC 0.00001.
gnomAD v4.1: 1 of 1,614,230 alleles (0.000062%); highest among the groups gnomAD compares: Non-Finnish European, 0.000085%; no homozygotes.

Submissions (2):

Ambry Genetics
Classification: Uncertain significance for Cardiovascular phenotype. Last evaluated: 2026-08-18. Review status: criteria provided, single submitter. Criteria: Ambry Variant Classification Scheme 2023. Collection method: clinical testing. Allele origin: germline.
Comment: The c.1223C>T (p.A408V) alteration is located in exon 9 (coding exon 9) of the ENG gene. This alteration results from a C to T substitution at nucleotide position 1223, causing the alanine (A) at amino acid position 408 to be replaced by a valine (V). Based on data from gnomAD, the T allele has an overall frequency of <0.001% (1/251486) total alleles studied. The highest observed frequency was 0.001% (1/113764) of European (non-Finnish) alleles. Based on insufficient or conflicting evidence, the clinical significance of this alteration remains unclear.

Labcorp Genetics (formerly Invitae), Labcorp
Classification: Uncertain significance for Hereditary hemorrhagic telangiectasia. Last evaluated: 2024-03-06. Review status: criteria provided, single submitter. Criteria: Invitae Variant Classification Sherloc (09022015). Collection method: clinical testing. Allele origin: germline.
Comment: This sequence change replaces alanine, which is neutral and non-polar, with valine, which is neutral and non-polar, at codon 408 of the ENG protein (p.Ala408Val). This variant is present in population databases (rs758647584, gnomAD 0.0009%). This variant has not been reported in the literature in individuals affected with ENG-related conditions. Advanced modeling of protein sequence and biophysical properties (such as structural, functional, and spatial information, amino acid conservation, physicochemical variation, residue mobility, and thermodynamic stability) performed at Invitae indicates that this missense variant is not expected to disrupt ENG protein function with a negative predictive value of 80%. In summary, the available evidence is currently insufficient to determine the role of this variant in disease. Therefore, it has been classified as a Variant of Uncertain Significance.

NM_001114753.3(ENG):c.1223C>T (p.Ala408Val)

Genes: ENG (endoglin; minus strand), LOC102723566 (uncharacterized LOC102723566; plus strand). Cytogenetic location: 9q34.11.
Variant type: single nucleotide variant.
Coding change: c.1223C>T on transcript NM_001114753.3 (MANE Select); coding-DNA position 1223, C replaced by T.
Protein change: p.Ala408Val; replaces alanine 408 with valine.
Molecular consequence: missense variant.
Genome position (GRCh38, 1-based): chr9:127,819,949, G>A on the plus strand (C>T on the coding strand, the complement: ENG is on the minus strand). VCF-style: chr9-127819949-G-A. GRCh37 (hg19) VCF-style: chr9-130582228-G-A.
Other names: c.1223C>T, p.Ala408Val (NM_000118.4); c.677C>T, p.Ala226Val (NM_001278138.2); c.1223C>T (NM_001114753.1); short protein forms A226V, A408V.
Identifiers: ClinVar variation 2957089 (VCV002957089.4), dbSNP rs758647584, ClinGen allele CA5252843.